The following is an entry in ClinVar:

NM_000128.4(F11):c.901T>C (p.Phe301Leu)

Gene: F11 (coagulation factor XI; plus strand). Cytogenetic location: 4q35.2.
Variant type: single nucleotide variant.
Coding change: c.901T>C on transcript NM_000128.4 (MANE Select); coding-DNA position 901, T replaced by C.
Protein change: p.Phe301Leu; replaces phenylalanine 301 with leucine.
Molecular consequence: missense variant.
Genome position (GRCh38, 1-based): chr4:186,280,258, T>C. VCF-style: chr4-186280258-T-C. GRCh37 (hg19) VCF-style: chr4-187201412-T-C.
Other names: F11, PHE283LEU; F283L; short protein forms F301L.
Identifiers: ClinVar variation 11892 (VCV000011892.84), dbSNP rs121965064, ClinGen allele CA121748.
Genomic context (GRCh38, chr4:186,280,258, plus strand): 5'-CTCTGACATGTGGTCTGCTGTCTAGTGTTCTGCCATTCTTCATTTTACCATGACACTGAT[T>C]TCTTGGGAGAAGAACTGGATATTGTTGCTGCAAAAAGTCACGAGGCCTGCCAGAAACTGT-3'
Protein context (NP_000119.1, residues 291-311): CHSSFYHDTD[Phe301Leu]LGEELDIVAA

ClinVar aggregate classification (germline): Pathogenic/Likely pathogenic. Review status: criteria provided, multiple submitters, no conflicts (2 of 4 stars). 27 submissions from 27 submitters: Pathogenic (20); Likely pathogenic (1). 6 of the submissions do not count toward it. Last evaluated 2026-05-04.

Conditions:
F11-related disorders.
Factor XI.
F11-related disorder. Also called: F11-related condition.
Plasma factor XI deficiency.
Hereditary factor XI deficiency disease. Also called: PLASMA THROMBOPLASTIN ANTECEDENT DEFICIENCY; PTA DEFICIENCY; ROSENTHAL SYNDROME; Congenital factor XI deficiency. Identifiers: Orphanet 329, MedGen C0015523, MeSH D005173, MONDO:0012897, OMIM 612416.

Allele frequency attached by ClinVar (database versions not stated): gnomAD 0.00065 and 0.00066; ExAC 0.00082; gnomAD exomes 0.00114 and 0.00055; TOPMed 0.00076.
gnomAD v4.1: 975 of 1,614,068 alleles (0.06%); highest among the groups gnomAD compares: Admixed American, 0.02%; 8 homozygotes.

Submissions 1 to 9 of 27:

Women's Health and Genetics/Laboratory Corporation of America, LabCorp
Classification: Pathogenic for Hereditary factor XI deficiency disease. Last evaluated: 2026-05-04. Review status: criteria provided, single submitter. Criteria: LabCorp Variant Classification Summary - May 2015. Collection method: clinical testing. Allele origin: germline.
Comment: Variant summary: F11 c.901T>C (p.Phe301Leu) results in a non-conservative amino acid change in the encoded protein sequence. Algorithms developed to predict the effect of missense changes on protein structure and function all suggest that this variant is likely to be disruptive. The variant allele was found at a frequency of 0.0011 in 251422 control chromosomes in the gnomAD database, including 5 homozygotes. This frequency is not significantly higher than estimated for disease-causing variants in F11, allowing no conclusion about variant significance. c.901T>C has been observed in multiple individuals affected with AR-Hereditary Factor XI Deficiency Disease (e.g. Mitchell_2006). These data indicate that the variant is very likely to be associated with disease. At least one publication reports experimental evidence evaluating an impact on protein function and showed that this variant led to defects in dimer formation (Kravtsov_2004). The following publications have been ascertained in the context of this evaluation (PMID: 15026311, 16835901). ClinVar contains an entry for this variant (Variation ID: 11892). To our knowledge, this variant has not been reported in individuals with AD-Hereditary Factor XI Deficiency Disease. Based on the evidence outlined above, the variant was classified as pathogenic for AR-Hereditary Factor XI Deficiency Disease.

Undiagnosed Diseases Network, NIH
Classification: Pathogenic for Hereditary factor XI deficiency disease. Last evaluated: 2026-01-28. Review status: criteria provided, single submitter. Criteria: ACMG Guidelines, 2015. Collection method: clinical testing. Allele origin: maternal. Affected: yes. Observed: 1 variant allele, 1 heterozygote. Study: Undiagnosed Diseases Network (NIH), UDN.
Comment: The missense variant F11 c.9017C, p.Phe301Leu (p.F301L; legacy p.F283L) in exon 9 changes amino acid phenylalanine at codon 301 to leucine. The phenylalanine at this residue is highly conserved among species. Pathogenic variants in F11 are associated with autosomal recessive or autosomal dominant factor XI deficiency, characterized by quantitative or qualitative deficiency of coagulation factor XI leading to variable degrees of decreased factor activity which are weakly correlated with the severity of bleeding manifestations. This variant has been previously reported in multiple patients with factor XI deficiency and is a common pathogenic variant among the Ashkenazi Jewish population. The minor allele frequency of this variant in the general population is 0.001050 with an elevated allele frequency of 0.02382 and 4 homozygotes in the Ashkenazi Jewish population (GnomAD v2). Functional studies of the variant in mammalian cells showed decreased secretion of factor XI (PMID:1547342). In silica computational evidence (REVEL) predicts the variant to be damaging (greater than 0.644).

Labcorp Genetics (formerly Invitae), Labcorp
Classification: Pathogenic. Last evaluated: 2026-01-27. Review status: criteria provided, single submitter. Criteria: Invitae Variant Classification Sherloc (09022015). Collection method: clinical testing. Allele origin: germline.
Comment: This sequence change replaces phenylalanine, which is neutral and non-polar, with leucine, which is neutral and non-polar, at codon 301 of the F11 protein (p.Phe301Leu). This variant is present in population databases (rs121965064, gnomAD 2.4%), and has an allele count higher than expected for a pathogenic variant. This missense change has been observed in individuals with autosomal recessive F11 deficiency (PMID: 2052060, 2813350, 16835901, 19652879, 23929304). It is commonly reported in individuals of Ashkenazi Jewish ancestry (PMID: 2052060, 2813350, 16835901, 19652879, 23929304). This variant is also known as p.Phe283Leu. ClinVar contains an entry for this variant (Variation ID: 11892). Invitae Evidence Modeling of protein sequence and biophysical properties (such as structural, functional, and spatial information, amino acid conservation, physicochemical variation, residue mobility, and thermodynamic stability) indicates that this missense variant is expected to disrupt F11 protein function with a positive predictive value of 80%. Experimental studies have shown that this missense change affects F11 function (PMID: 1547342, 15026311). For these reasons, this variant has been classified as Pathogenic.

Variantyx, Inc.
Classification: Pathogenic for Hereditary factor XI deficiency disease. Last evaluated: 2026-01-04. Review status: criteria provided, single submitter. Criteria: Variantyx Assertion Criteria 2022. Collection method: clinical testing. Allele origin: germline. Inheritance: Semidominant inheritance.
Comment: This is a nonsynonymous variant in the F11 gene (OMIM: 264900). Pathogenic variants in this gene have been associated with autosomal semidominant factor XI deficiency. This variant has been identified in the homozygous, compound heterozygous, or heterozygous state in multiple individuals reported in the published literature (PMID: 16835901, 19652879, 2052060, 29178608, 11564078) (PM3). Functional studies have shown that this variant alters F11 protein function (PMID: 1547342, 15026311) (PS3_Moderate), and multiple computational algorithms predict a deleterious effect for this variant (REVEL score: 0.818) (PP3). This variant has a 0.0200% maximum allele frequency in non-founder control populations, and is commonly identified in individuals of Ashkenazi Jewish ancestry, consistent with the prevalence of F11 deficiency in that population. Based on the current evidence, this variant is classified as pathogenic for autosomal semidominant factor XI deficiency.

GeneDx
Classification: Pathogenic. Last evaluated: 2025-11-14. Review status: criteria provided, single submitter. Criteria: GeneDx Variant Classification Process June 2021. Collection method: clinical testing. Allele origin: germline. Affected: yes.
Comment: Common variant in the Ashkenazi Jewish population, observed multiple times with a pathogenic variant on the opposite allele (in trans) or in the homozygous state in unrelated patients in published literature with factor XI deficiency (PMID: 2813350, 19652879); Reported as a single heterozygous variant in two individuals with Factor XI deficiency, one of whom was also noted to have Factor VIII deficiency (PMID: 19652879); Published functional studies demonstrate impaired dimer formation resulting in decreased factor XI secretion (PMID: 15026311, 18024374); In silico analysis supports that this missense variant has a deleterious effect on protein structure/function; Also known as F283L and Type III mutation; This variant is associated with the following publications: (PMID: 9787168, 11564078, 18839438, 23332144, 16086308, 21668437, 22016685, 31064749, 1547342, 22975760, 25333069, 2813350, 26558335, 17384215, 22159456, 25158988, 16835901, 24982842, 19347998, 15140127, 18024374, 18515884, 29178608, 30487145, 31447099, 31980526, 34570182, 31589614, 19652879, 15026311, 37647632, 40554605)

First Genomix Gene Laboratory, Genetic Diagnostics Department
Classification: Likely pathogenic for Hereditary factor XI deficiency disease. Last evaluated: 2025-08-06. Review status: criteria provided, single submitter. Criteria: ACMG Guidelines, 2015. Collection method: clinical testing. Allele origin: germline. Inheritance: Autosomal recessive inheritance. Affected: no. Observed: 1 variant allele.

Mayo Clinic Laboratories, Mayo Clinic
Classification: Pathogenic. Last evaluated: 2025-06-12. Review status: criteria provided, single submitter. Criteria: ACMG Guidelines, 2015. Collection method: clinical testing. Allele origin: germline. Observed: 25 variant alleles.
Comment: PP1, PP3_moderate, PP5, PM1, PM3, PS3

Department of Paediatrics at Addenbrookes, Cambridge University Hospitals NHS Foundation Trust (UK)
Classification: Pathogenic for Hereditary factor XI deficiency disease. Last evaluated: 2025-05-27. Review status: criteria provided, single submitter. Criteria: Durkie Uk Practice Guidelines For Variant Classification V12 2024 (1). Collection method: clinical testing. Allele origin: unknown.
Comment: PS3_Supporting;PM2_Moderate;PM3_VeryStrong;PP3_Supporting

Dasa
Classification: Pathogenic. Last evaluated: 2025-03-21. Review status: criteria provided, single submitter. Criteria: DASA Assertion Criteria. Collection method: clinical testing. Allele origin: germline.
Comment: NM_000128.4(F11):c.901T>C (p.Phe301Leu) introduces a phenylalanine-to-leucine substitution. This missense change affects a conserved residue and functional studies demonstrate a deleterious effect on factor XI activity (PMID: 1547342, 15026311). The variant has been recurrently observed in individuals with congenital factor XI deficiency, including segregation in affected families (PMID: 2052060, 2813350, 16835901, 19652879, 23929304). It is present at low frequency in population datasets. Based on the available data, this variant is classified as pathogenic.